The following is an entry in ClinVar:

NM_001256071.3(RNF213):c.631_632delinsGT (p.Ser211Val)

Gene: RNF213 (ring finger protein 213; plus strand). Cytogenetic location: 17q25.3.
Variant type: Indel.
Coding change: c.631_632delinsGT on transcript NM_001256071.3 (MANE Select); coding-DNA positions 631 to 632, TC replaced by GT.
Protein change: p.Ser211Val; replaces serine 211 with valine.
Molecular consequence: missense variant.
Genome position (GRCh38, 1-based): chr17:80,288,184-80,288,185, TC replaced by GT. VCF-style: chr17-80288184-TC-GT. GRCh37 (hg19) VCF-style: chr17-78261983-TC-GT.
Other names: c.778_779delinsGT, p.Ser260Val (NM_001410195.1, NM_020914.5); c.631_632delinsGT, p.Ser211Val (NM_020954.4); short protein forms S260V, S211V.
Identifiers: ClinVar variation 2989976 (VCV002989976.3), dbSNP rs2511117472, ClinGen allele CA2740093952.

ClinVar aggregate classification (germline): Uncertain significance (1 of 4 stars; one submission).

Submission:

Labcorp Genetics (formerly Invitae), Labcorp
Classification: Uncertain significance. Last evaluated: 2025-03-31. Review status: criteria provided, single submitter. Criteria: Invitae Variant Classification Sherloc (09022015). Collection method: clinical testing. Allele origin: germline.
Comment: This sequence change replaces serine, which is neutral and polar, with valine, which is neutral and non-polar, at codon 211 of the RNF213 protein (p.Ser211Val). This variant is present in population databases (no rsID available, gnomAD 0.0004%). This variant has not been reported in the literature in individuals affected with RNF213-related conditions. ClinVar contains an entry for this variant (Variation ID: 2989976). An algorithm developed to predict the effect of missense changes on protein structure and function (PolyPhen-2) suggests that this variant is likely to be tolerated. In summary, the available evidence is currently insufficient to determine the role of this variant in disease. Therefore, it has been classified as a Variant of Uncertain Significance.